The following is an entry in ClinVar:

ClinVar aggregate classification (germline): Conflicting classifications of pathogenicity. Review status: criteria provided, conflicting classifications (1 of 4 stars). 2 submissions from 2 submitters: Uncertain significance (1); Likely benign (1). Last evaluated 2024-11-19.

Allele frequency attached by ClinVar (database versions not stated): 1000 Genomes Project 0.00020; 1000 Genomes Project 30x 0.00031; ESP Exome Variant Server 0.00046; gnomAD 0.00048; TOPMed 0.00048; ExAC 0.00053.
gnomAD v4.1: 1,184 of 1,614,002 alleles (0.073%); highest among the groups gnomAD compares: Non-Finnish European, 0.091%; 2 homozygotes.

Submissions (2):

Blueprint Genetics
Classification: Likely benign. Last evaluated: 2024-11-19. Review status: criteria provided, single submitter. Criteria: ACMG Guidelines, 2015. Collection method: clinical testing. Allele origin: germline.

Labcorp Genetics (formerly Invitae), Labcorp
Classification: Uncertain significance. Last evaluated: 2022-01-02. Review status: criteria provided, single submitter. Criteria: Invitae Variant Classification Sherloc (09022015). Collection method: clinical testing. Allele origin: germline.
Comment: In summary, the available evidence is currently insufficient to determine the role of this variant in disease. Therefore, it has been classified as a Variant of Uncertain Significance. Algorithms developed to predict the effect of missense changes on protein structure and function output the following: SIFT: "Tolerated"; PolyPhen-2: "Benign"; Align-GVGD: "Class C0". The isoleucine amino acid residue is found in multiple mammalian species, which suggests that this missense change does not adversely affect protein function. This variant has not been reported in the literature in individuals affected with EDN1-related conditions. This variant is present in population databases (rs6413478, gnomAD 0.08%), and has an allele count higher than expected for a pathogenic variant. This sequence change replaces valine, which is neutral and non-polar, with isoleucine, which is neutral and non-polar, at codon 186 of the EDN1 protein (p.Val186Ile).

NM_001955.5(EDN1):c.556G>A (p.Val186Ile)

Gene: EDN1 (endothelin 1; plus strand). Cytogenetic location: 6p24.1.
Variant type: single nucleotide variant.
Coding change: c.556G>A on transcript NM_001955.5 (MANE Select); coding-DNA position 556, G replaced by A.
Protein change: p.Val186Ile; replaces valine 186 with isoleucine.
Molecular consequence: missense variant.
Genome position (GRCh38, 1-based): chr6:12,295,984, G>A. VCF-style: chr6-12295984-G-A. GRCh37 (hg19) VCF-style: chr6-12296217-G-A.
Other names: c.553G>A, p.Val185Ile (NM_001168319.2); short protein forms V185I, V186I.
Identifiers: ClinVar variation 2053031 (VCV002053031.3), dbSNP rs6413478, ClinGen allele CA3638763.